The following is an entry in ClinVar:

ClinVar aggregate classification (germline): Benign/Likely benign. Review status: criteria provided, multiple submitters, no conflicts (2 of 4 stars). 3 submissions from 3 submitters: Benign (1); Likely benign (2). Last evaluated 2025-10-08.

Conditions:
Long QT syndrome (LQTS). Identifiers: MedGen C0023976, MeSH D008133, MONDO:0002442. Disease mechanism: loss of function. Inheritance: Various modes of inheritance.

Submissions (3):

Labcorp Genetics (formerly Invitae), Labcorp
Classification: Likely benign for Long QT syndrome. Last evaluated: 2025-10-08. Review status: criteria provided, single submitter. Criteria: Invitae Variant Classification Sherloc (09022015). Collection method: clinical testing. Allele origin: germline.

Women's Health and Genetics/Laboratory Corporation of America, LabCorp
Classification: Benign. Last evaluated: 2025-04-15. Review status: criteria provided, single submitter. Criteria: LabCorp Variant Classification Summary - May 2015. Collection method: clinical testing. Allele origin: germline.
Comment: Variant summary: ANK2 c.11032+19_11032+20delAT alters a non-conserved nucleotide located at a position not widely known to affect splicing. Consensus agreement among computation tools predict no significant impact on normal splicing. However, these predictions have yet to be confirmed by functional studies. The variant allele was found at a frequency of 0.00014 in 1520180 control chromosomes (gnomAD v.4.1.0). The observed variant frequency is approximately 21 fold of the estimated maximal expected allele frequency for a pathogenic variant in ANK2 causing Long QT Syndrome phenotype (6.7e-06). To our knowledge, no occurrence of c.11032+19_11032+20delAT in individuals affected with Long QT Syndrome and no experimental evidence demonstrating its impact on protein function have been reported. ClinVar contains an entry for this variant (Variation ID: 1657307). Based on the evidence outlined above, the variant was classified as benign.

Blueprint Genetics
Classification: Likely benign. Last evaluated: 2024-03-21. Review status: criteria provided, single submitter. Criteria: ACMG Guidelines, 2015. Collection method: clinical testing. Allele origin: germline.

NM_001148.6(ANK2):c.11032+19_11032+20del

Gene: ANK2 (ankyrin 2; plus strand). Cytogenetic location: 4q26.
Variant type: Deletion.
Coding change: c.11032+19_11032+20del on transcript NM_001148.6 (MANE Select); bases 19 to 20 of the intron after coding-DNA position 11032, 2 bases deleted (AT; older notation c.11032+19_11032+20delAT).
Molecular consequence: intron variant.
Genome position (GRCh38, 1-based): chr4:113,365,201-113,365,202, AT deleted; deleting any 2 consecutive bases within chr4:113,365,200-113,365,202 gives the same sequence; the c. name uses the placement nearest the transcript's 3' end. VCF-style (leftmost placement, unchanged base first): chr4-113365199-GTA-G. GRCh37 (hg19) VCF-style: chr4-114286355-GTA-G.
Other names: c.11032+19_11032+20delAT (NM_001148.6); c.4762+19_4762+20del (NM_001386186.2, NM_001386148.2); c.4564+19_4564+20del (NM_001354269.3); c.4642+19_4642+20del (NM_001386187.2); c.4603+19_4603+20del (NM_001386147.1); c.4621+19_4621+20del (NM_001386160.1); c.4726+19_4726+20del (NM_001354254.2); c.4747+19_4747+20del (NM_001354239.2, NM_001354252.2); and 36 more.
Identifiers: ClinVar variation 1657307 (VCV001657307.11), dbSNP rs775672634, ClinGen allele CA3052188.
Genomic context (GRCh38, chr4:113,365,199, plus strand): 5'-TTATGCAGAAATTGAACAGACCATTACACTGGATCATAGTGAAGGTCAAACTGTGTGTGT[GTA>G]TGTGTGTGTGTGTGTGTGTGTGTGTGTGTGTTGTGTCTGTGTGTGGTTAATTGAGGCACT-3'